The following is an entry in ClinVar:

NM_005208.4(CRYBA1):c.-7G>A

Gene: CRYBA1 (crystallin beta A1; plus strand). Cytogenetic location: 17q11.2.
Variant type: single nucleotide variant.
Coding change: c.-7G>A on transcript NM_005208.4; 7 bases upstream of the start codon, G replaced by A.
Genome position (GRCh38, 1-based): chr17:29,246,857, G>A. VCF-style: chr17-29246857-G-A. GRCh37 (hg19) VCF-style: chr17-27573875-G-A.
Identifiers: ClinVar variation 3040013 (VCV003040013.2), dbSNP rs369560721, ClinGen allele CA8473614.
Genomic context (GRCh38, chr17:29,246,857, plus strand): 5'-CTGACAGGGCCAGAGGCCAGAGGCCGCAGGGCTATAAAGAGGAGGGCCACAGAGCAAGTG[G>A]TACCAGATGGAGACCCAGGCTGAGCAGCAGGAGCTGGGTGAGTAAGGCCCTCAGGGTGCC-3'

ClinVar aggregate classification (germline): Benign (0 of 4 stars; one submission).

Conditions:
CRYBA1-related disorder. Also called: CRYBA1-related condition.

Allele frequency attached by ClinVar (database versions not stated): gnomAD 0.00050; ExAC 0.00164; TOPMed 0.00012; 1000 Genomes Project 0.00319; 1000 Genomes Project 30x 0.00281; ESP Exome Variant Server 0.00008; gnomAD exomes 0.00073.

Submission:

PreventionGenetics, part of Exact Sciences
Classification: Benign for CRYBA1-related condition. Last evaluated: 2019-10-28. Review status: no assertion criteria provided. Collection method: clinical testing. Allele origin: germline.
Comment: This variant is classified as benign based on ACMG/AMP sequence variant interpretation guidelines (Richards et al. 2015 PMID: 25741868, with internal and published modifications).